The following is an entry in ClinVar:

NM_001134407.3(GRIN2A):c.1790C>T (p.Pro597Leu)

Gene: GRIN2A (glutamate ionotropic receptor NMDA type subunit 2A; minus strand). Cytogenetic location: 16p13.2.
Variant type: single nucleotide variant.
Coding change: c.1790C>T on transcript NM_001134407.3 (MANE Select); coding-DNA position 1790, C replaced by T.
Protein change: p.Pro597Leu; replaces proline 597 with leucine.
Molecular consequence: missense variant.
Genome position (GRCh38, 1-based): chr16:9,829,640, G>A on the plus strand (C>T on the coding strand, the complement: GRIN2A is on the minus strand). VCF-style: chr16-9829640-G-A. GRCh37 (hg19) VCF-style: chr16-9923497-G-A.
Other names: c.1790C>T, p.Pro597Leu (NM_000833.5, NM_001134408.2); short protein forms P597L.
Identifiers: ClinVar variation 4855533 (VCV004855533.1).

ClinVar aggregate classification (germline): Uncertain significance (1 of 4 stars; one submission).

Conditions:
Landau-Kleffner syndrome (FESD). Also called: EPILEPSY, FOCAL, WITH SPEECH DISORDER AND WITH OR WITHOUT MENTAL RETARDATION; APHASIA, ACQUIRED, WITH EPILEPSY. Identifiers: Orphanet 1945, Orphanet 725, Orphanet 98818, MedGen C0282512, MONDO:0009509, OMIM 245570.

Submission:

3billion
Classification: Uncertain significance for Landau-Kleffner syndrome. Last evaluated: 2025-07-31. Review status: criteria provided, single submitter. Criteria: ACMG Guidelines, 2015. Collection method: clinical testing. Allele origin: germline. Affected: yes.
Comment: The variant is not observed in the gnomAD v4.1.0 dataset. Predicted Consequence/Location: Missense variant In silico tool predictions suggest damaging effect of the variant on gene or gene product [3Cnet: 0.80 (> 0.75, sensitivity 0.96 and precision 0.92)]. Therefore, this variant is classified as VUS according to the recommendation of ACMG/AMP guideline.